The following is an entry in ClinVar:

ClinVar aggregate classification (germline): Benign (1 of 4 stars; one submission).

Allele frequency attached by ClinVar (database versions not stated): gnomAD 0.02280 and 0.02413; 1000 Genomes Project 0.02456; TOPMed 0.02510; 1000 Genomes Project 30x 0.02748.
gnomAD v4.1: 3,057 of 135,910 alleles (2.2%); highest among the groups gnomAD compares: African/African-American, 7.5%; 123 homozygotes.

Submission:

GeneDx
Classification: Benign. Last evaluated: 2018-06-16. Review status: criteria provided, single submitter. Criteria: GeneDx Variant Classification (06012015). Collection method: clinical testing. Allele origin: germline. Affected: yes.
Comment: This variant is considered likely benign or benign based on one or more of the following criteria: it is a conservative change, it occurs at a poorly conserved position in the protein, it is predicted to be benign by multiple in silico algorithms, and/or has population frequency not consistent with disease.

NM_001005373.4(LRSAM1):c.322-269G>A

Gene: LRSAM1 (leucine rich repeat and sterile alpha motif containing 1; plus strand). Cytogenetic location: 9q33.3.
Variant type: single nucleotide variant.
Coding change: c.322-269G>A on transcript NM_001005373.4 (MANE Select); 269 bases into the intron before coding-DNA position 322, G replaced by A.
Molecular consequence: intron variant.
Genome position (GRCh38, 1-based): chr9:127,460,904, G>A. VCF-style: chr9-127460904-G-A. GRCh37 (hg19) VCF-style: chr9-130223183-G-A.
Other names: c.322-269G>A (NM_138361.5, NM_001384142.1, NM_001384143.1 and 2 more transcripts); c.-463-269G>A (NM_001384144.1).
Identifiers: ClinVar variation 675698 (VCV000675698.1), dbSNP rs138506891, ClinGen allele CA199852089.
Genomic context (GRCh38, chr9:127,460,904, plus strand): 5'-TTTCTTTTTTTTTTTTTTTTTTTTTTTTTTGAGACGGAGTCTCACTCTGTTGCCCAGGCC[G>A]GAGTGCAATGGTGCAATCTCAGCTCACCGCAACCTCTGCCTCCTGGGTTCAAGCAATTCT-3'